The following is an entry in ClinVar:

NM_000540.3(RYR1):c.5861G>A (p.Arg1954His)

Gene: RYR1 (ryanodine receptor 1; plus strand). Cytogenetic location: 19q13.2.
Variant type: single nucleotide variant.
Coding change: c.5861G>A on transcript NM_000540.3 (MANE Select); coding-DNA position 5861, G replaced by A.
Protein change: p.Arg1954His; replaces arginine 1954 with histidine.
Molecular consequence: missense variant.
Genome position (GRCh38, 1-based): chr19:38,490,122, G>A. VCF-style: chr19-38490122-G-A. GRCh37 (hg19) VCF-style: chr19-38980762-G-A.
Other names: c.5861G>A, p.Arg1954His (NM_001042723.2); short protein forms R1954H.
Identifiers: ClinVar variation 2435502 (VCV002435502.5), dbSNP rs775643457, ClinGen allele CA067524.

ClinVar aggregate classification (germline): Uncertain significance. Review status: criteria provided, multiple submitters, no conflicts (2 of 4 stars). 3 submissions from 3 submitters: Uncertain significance (3). Last evaluated 2025-07-29.

Conditions:
Malignant hyperthermia, susceptibility to, 1 (MHS1). Also called: Anesthesia related hyperthermia; Malignant hyperpyrexia; Fulminating hyperpyrexia; Pharmacogenic myopathy; Malignant hyperthermia suceptibility 1; RYR1-Related Malignant Hyperthermia Susceptibility. Identifiers: Orphanet 423, MedGen C2930980, MONDO:0007783, OMIM 145600.
RYR1-related disorder. Also called: RYR1-related disorders; RYR1-related condition. Identifiers: MedGen CN239331.

Allele frequency attached by ClinVar (database versions not stated): ExAC 0.00001; gnomAD exomes 0.00001; gnomAD 0.00002; TOPMed 0.00002.
gnomAD v4.1: 18 of 1,614,078 alleles (0.0011%); highest among the groups gnomAD compares: African/African-American, 0.0027%; no homozygotes.

Submissions (3):

Color Diagnostics, LLC DBA Color Health
Classification: Uncertain significance for Malignant hyperthermia, susceptibility to, 1. Last evaluated: 2025-07-29. Review status: criteria provided, single submitter. Criteria: ACMG Guidelines, 2015. Collection method: clinical testing. Allele origin: germline.
Comment: This missense variant replaces arginine with histidine at codon 1954 of the RYR1 protein. Computational prediction tools are inconclusive regarding the impact of this variant on RYR1 protein function. To our knowledge, functional studies have not been reported for this variant. This variant has not been reported in individuals affected with RYR1-related disorders in the literature. This variant has been identified in 5/282676 chromosomes in the general population by the Genome Aggregation Database (gnomAD). The available evidence is insufficient to determine the role of this variant in disease conclusively. Therefore, this variant is classified as a Variant of Uncertain Significance.

Labcorp Genetics (formerly Invitae), Labcorp
Classification: Uncertain significance for RYR1-related disorder. Last evaluated: 2025-06-27. Review status: criteria provided, single submitter. Criteria: Invitae Variant Classification Sherloc (09022015). Collection method: clinical testing. Allele origin: germline.
Comment: This sequence change replaces arginine, which is basic and polar, with histidine, which is basic and polar, at codon 1954 of the RYR1 protein (p.Arg1954His). This variant is present in population databases (rs775643457, gnomAD 0.004%). This variant has not been reported in the literature in individuals affected with RYR1-related conditions. ClinVar contains an entry for this variant (Variation ID: 2435502). Invitae Evidence Modeling of protein sequence and biophysical properties (such as structural, functional, and spatial information, amino acid conservation, physicochemical variation, residue mobility, and thermodynamic stability) indicates that this missense variant is expected to disrupt RYR1 protein function with a positive predictive value of 80%. In summary, the available evidence is currently insufficient to determine the role of this variant in disease. Therefore, it has been classified as a Variant of Uncertain Significance.

Revvity Omics, Revvity
Classification: Uncertain significance. Last evaluated: 2020-03-17. Review status: criteria provided, single submitter. Criteria: ACMG Guidelines, 2015. Collection method: clinical testing. Allele origin: germline.